The following is an entry in ClinVar:

ClinVar aggregate classification (germline): Conflicting classifications of pathogenicity. Review status: criteria provided, conflicting classifications (1 of 4 stars). 4 submissions from 4 submitters: Uncertain significance (1); Likely benign (3). Last evaluated 2026-01-05.

Conditions:
CSF1R-related disorder. Also called: CSF1R-related condition. Identifiers: MedGen CN379780, MONDO:0100632.

Allele frequency attached by ClinVar (database versions not stated): ExAC 0.00011; gnomAD exomes 0.00013; gnomAD 0.00014 and 0.00016; ESP Exome Variant Server 0.00015; TOPMed 0.00015.
gnomAD v4.1: 134 of 1,614,006 alleles (0.0083%); highest among the groups gnomAD compares: Admixed American, 0.032%; no homozygotes.

Submissions (4):

PreventionGenetics, part of Exact Sciences
Classification: Uncertain significance for CSF1R-related condition. Last evaluated: 2026-01-05. Review status: criteria provided, single submitter. Criteria: ACMG Guidelines, 2015. Collection method: clinical testing. Allele origin: germline.
Comment: The CSF1R c.237G>A variant is not predicted to result in an amino acid change (p.=). To our knowledge, this variant has not been reported in the literature. This variant is reported in 0.023% of alleles in individuals of Latino descent in gnomAD. This variant is predicted to alter splicing based on available splicing prediction programs (SpliceAI, Jaganathan et al. 2019. PubMed ID: 30661751). However, the use of computer prediction programs is not equivalent to functional evidence. At this time, the clinical significance of this variant is uncertain due to the absence of conclusive functional and genetic evidence.

Labcorp Genetics (formerly Invitae), Labcorp
Classification: Likely benign. Last evaluated: 2025-09-27. Review status: criteria provided, single submitter. Criteria: Invitae Variant Classification Sherloc (09022015). Collection method: clinical testing. Allele origin: germline.

Blueprint Genetics
Classification: Likely benign. Last evaluated: 2024-10-16. Review status: criteria provided, single submitter. Criteria: ACMG Guidelines, 2015. Collection method: clinical testing. Allele origin: germline.

CeGaT Center for Human Genetics Tuebingen
Classification: Likely benign. Last evaluated: 2022-07-01. Review status: criteria provided, single submitter. Criteria: CeGaT Center For Human Genetics Tuebingen Variant Classification Criteria Version 2. Collection method: clinical testing. Allele origin: germline. Affected: yes. Observed: 1 variant allele.
Comment: CSF1R: BP4, BP7

NM_001288705.3(CSF1R):c.237G>A (p.Thr79=)

Gene: CSF1R (colony stimulating factor 1 receptor; minus strand). Cytogenetic location: 5q32.
Variant type: single nucleotide variant.
Coding change: c.237G>A on transcript NM_001288705.3 (MANE Select); coding-DNA position 237, G replaced by A.
Protein change: p.Thr79=; no amino-acid change (threonine 79 retained).
Molecular consequence: synonymous variant. On other transcripts: 5 prime UTR variant (1), non-coding transcript variant (2).
Genome position (GRCh38, 1-based): chr5:150,080,837, C>T on the plus strand (G>A on the coding strand, the complement: CSF1R is on the minus strand). VCF-style: chr5-150080837-C-T. GRCh37 (hg19) VCF-style: chr5-149460400-C-T.
Other names: c.237G>A (NM_005211.3); c.237G>A, p.Thr79= (NM_001349736.2, NM_001375320.1, NM_005211.4); c.-208G>A (NM_001375321.1).
Identifiers: ClinVar variation 1577297 (VCV001577297.34), dbSNP rs146145627, ClinGen allele CA3507244.